The following is an entry in ClinVar:

ClinVar aggregate classification (germline): Uncertain significance (1 of 4 stars; one submission).

Allele frequency attached by ClinVar (database versions not stated): gnomAD 0.00001; TOPMed 0.00001 and 0.00002.
gnomAD v4.1: 3 of 1,613,846 alleles (0.00019%); highest among the groups gnomAD compares: Non-Finnish European, 0.00025%; no homozygotes.

Submission:

Laboratory for Molecular Medicine, Mass General Brigham Personalized Medicine
Classification: Uncertain significance. Last evaluated: 2015-11-09. Review status: criteria provided, single submitter. Criteria: LMM Criteria. Collection method: clinical testing. Allele origin: germline. Observed: 1 variant allele.
Comment: The p.Pro133Arg variant in LAMA4 has not been previously reported in individuals with cardiomyopathy and was absent from large population studies. Computational prediction tools and conservation analysis do not provide strong support for or against an impact to the protein. In summary, the clinical significance of the p.Pro133Arg variant is uncertain.

NM_001105206.3(LAMA4):c.398C>G (p.Pro133Arg)

Gene: LAMA4 (laminin subunit alpha 4; minus strand). Cytogenetic location: 6q21.
Variant type: single nucleotide variant.
Coding change: c.398C>G on transcript NM_001105206.3 (MANE Select); coding-DNA position 398, C replaced by G.
Protein change: p.Pro133Arg; replaces proline 133 with arginine.
Molecular consequence: missense variant.
Genome position (GRCh38, 1-based): chr6:112,207,045, G>C on the plus strand (C>G on the coding strand, the complement: LAMA4 is on the minus strand). VCF-style: chr6-112207045-G-C. GRCh37 (hg19) VCF-style: chr6-112528246-G-C.
Other names: c.398C>G, p.Pro133Arg (NM_001105207.3, NM_002290.5); short protein forms P133R.
Identifiers: ClinVar variation 228781 (VCV000228781.4), dbSNP rs876657842, ClinGen allele CA10577208.